The following is an entry in ClinVar:

ClinVar aggregate classification (germline): Benign/Likely benign. Review status: criteria provided, multiple submitters, no conflicts (2 of 4 stars). 3 submissions from 3 submitters: Benign (1); Likely benign (1). 1 of the submissions does not count toward it. Last evaluated 2024-10-31.

Conditions:
EPO-related disorder. Also called: EPO-related condition.

Allele frequency attached by ClinVar (database versions not stated): gnomAD exomes 0.00063; ExAC 0.00083; gnomAD 0.00228 and 0.00255; 1000 Genomes Project 0.00260; 1000 Genomes Project 30x 0.00265; TOPMed 0.00272; ESP Exome Variant Server 0.00338.

Submissions (3):

Blueprint Genetics
Classification: Likely benign. Last evaluated: 2024-10-31. Review status: criteria provided, single submitter. Criteria: ACMG Guidelines, 2015. Collection method: clinical testing. Allele origin: germline.

Labcorp Genetics (formerly Invitae), Labcorp
Classification: Benign. Last evaluated: 2019-12-31. Review status: criteria provided, single submitter. Criteria: Invitae Variant Classification Sherloc (09022015). Collection method: clinical testing. Allele origin: germline.

PreventionGenetics, part of Exact Sciences
Classification: Benign for EPO-related condition. Last evaluated: 2024-04-17. Review status: no assertion criteria provided. Collection method: clinical testing. Allele origin: germline. Not counted in ClinVar's aggregate classification.
Comment: This variant is classified as benign based on ACMG/AMP sequence variant interpretation guidelines (Richards et al. 2015 PMID: 25741868, with internal and published modifications).

NM_000799.4(EPO):c.54G>A (p.Ser18=)

Gene: EPO (erythropoietin; plus strand). Cytogenetic location: 7q22.1.
Variant type: single nucleotide variant.
Coding change: c.54G>A on transcript NM_000799.4 (MANE Select); coding-DNA position 54, G replaced by A.
Protein change: p.Ser18=; no amino-acid change (serine 18 retained).
Molecular consequence: synonymous variant.
Genome position (GRCh38, 1-based): chr7:100,721,598, G>A. VCF-style: chr7-100721598-G-A. GRCh37 (hg19) VCF-style: chr7-100319221-G-A.
Identifiers: ClinVar variation 716882 (VCV000716882.6), dbSNP rs73409072, ClinGen allele CA4389437.
Genomic context (GRCh38, chr7:100,721,598, plus strand): 5'-AGCCTGGCTATCTGTTCTAGAATGTCCTGCCTGGCTGTGGCTTCTCCTGTCCCTGCTGTC[G>A]CTCCCTCTGGGCCTCCCAGTCCTGGGCGCCCCACCACGCCTCATCTGTGACAGCCGAGTC-3'
Protein context (NP_000790.2, residues 8-28): AWLWLLLSLL[Ser18=]LPLGLPVLGA